The following is an entry in ClinVar:

ClinVar aggregate classification (germline): Conflicting classifications of pathogenicity. Review status: criteria provided, conflicting classifications (1 of 4 stars). 2 submissions from 2 submitters: Uncertain significance (1); Likely benign (1). Last evaluated 2026-10-01.

Conditions:
Luscan-Lumish syndrome. Identifiers: Orphanet 597738, MedGen C4085873, MONDO:0014791, OMIM 616831.

Allele frequency attached by ClinVar (database versions not stated): TOPMed 0.00005; gnomAD 0.00006; ExAC 0.00007; ESP Exome Variant Server 0.00008; gnomAD exomes 0.00009 and 0.00031.
gnomAD v4.1: 458 of 1,613,702 alleles (0.028%); highest among the groups gnomAD compares: Non-Finnish European, 0.038%; no homozygotes.

Submissions (2):

CeGaT Center for Human Genetics Tuebingen
Classification: Likely benign. Last evaluated: 2026-10-01. Review status: criteria provided, single submitter. Criteria: CeGaT Center For Human Genetics Tuebingen Variant Classification Criteria Version 2. Collection method: clinical testing. Allele origin: germline. Affected: yes. Observed: 1 variant allele.
Comment: SETD2: BS2

Labcorp Genetics (formerly Invitae), Labcorp
Classification: Uncertain significance for Luscan-Lumish syndrome. Last evaluated: 2022-10-13. Review status: criteria provided, single submitter. Criteria: Invitae Variant Classification Sherloc (09022015). Collection method: clinical testing. Allele origin: germline.
Comment: In summary, the available evidence is currently insufficient to determine the role of this variant in disease. Therefore, it has been classified as a Variant of Uncertain Significance. Advanced modeling of protein sequence and biophysical properties (such as structural, functional, and spatial information, amino acid conservation, physicochemical variation, residue mobility, and thermodynamic stability) performed at Invitae indicates that this missense variant is not expected to disrupt SETD2 protein function. ClinVar contains an entry for this variant (Variation ID: 572268). This variant has not been reported in the literature in individuals affected with SETD2-related conditions. This variant is present in population databases (rs374976472, gnomAD 0.02%). This sequence change replaces glutamic acid, which is acidic and polar, with lysine, which is basic and polar, at codon 670 of the SETD2 protein (p.Glu670Lys).

NM_014159.7(SETD2):c.2008G>A (p.Glu670Lys)

Gene: SETD2 (SET domain containing 2, histone lysine methyltransferase; minus strand). Cytogenetic location: 3p21.31.
Variant type: single nucleotide variant.
Coding change: c.2008G>A on transcript NM_014159.7 (MANE Select); coding-DNA position 2008, G replaced by A.
Protein change: p.Glu670Lys; replaces glutamic acid 670 with lysine.
Molecular consequence: missense variant. On other transcripts: non-coding transcript variant (1).
Genome position (GRCh38, 1-based): chr3:47,122,628, C>T on the plus strand (G>A on the coding strand, the complement: SETD2 is on the minus strand). VCF-style: chr3-47122628-C-T. GRCh37 (hg19) VCF-style: chr3-47164118-C-T.
Other names: c.1876G>A, p.Glu626Lys (NM_001349370.3); short protein forms E670K, E626K.
Identifiers: ClinVar variation 572268 (VCV000572268.7), dbSNP rs374976472, ClinGen allele CA2363598.